The following is an entry in ClinVar:

ClinVar aggregate classification (germline): Uncertain significance (1 of 4 stars; one submission).

Conditions:
Cardiovascular phenotype. Identifiers: MedGen CN230736.

Allele frequency attached by ClinVar (database versions not stated): gnomAD exomes below 0.00001; gnomAD 0.00001; ExAC 0.00002; TOPMed 0.00002.
gnomAD v4.1: 5 of 1,586,484 alleles (0.00032%); highest among the groups gnomAD compares: African/African-American, 0.0067%; no homozygotes.

Submission:

Ambry Genetics
Classification: Uncertain significance for Cardiovascular phenotype. Last evaluated: 2023-10-12. Review status: criteria provided, single submitter. Criteria: Ambry Variant Classification Scheme 2023. Collection method: clinical testing. Allele origin: germline.
Comment: The p.T1258A variant (also known as c.3772A>G), located in coding exon 12 of the AKAP9 gene, results from an A to G substitution at nucleotide position 3772. The threonine at codon 1258 is replaced by alanine, an amino acid with similar properties. This amino acid position is conserved. In addition, this alteration is predicted to be tolerated by in silico analysis. Since supporting evidence is limited at this time, the clinical significance of this alteration remains unclear.

NM_005751.5(AKAP9):c.3772A>G (p.Thr1258Ala)

Gene: AKAP9 (A-kinase anchoring protein 9; plus strand). Cytogenetic location: 7q21.2.
Variant type: single nucleotide variant.
Coding change: c.3772A>G on transcript NM_005751.5 (MANE Select); coding-DNA position 3772, A replaced by G.
Protein change: p.Thr1258Ala; replaces threonine 1258 with alanine.
Molecular consequence: missense variant.
Genome position (GRCh38, 1-based): chr7:92,017,037, A>G. VCF-style: chr7-92017037-A-G. GRCh37 (hg19) VCF-style: chr7-91646351-A-G.
Other names: c.3772A>G, p.Thr1258Ala (NM_147185.3); short protein forms T1258A.
Identifiers: ClinVar variation 3225051 (VCV003225051.1), dbSNP rs752092340, ClinGen allele CA4336396.